The following is an entry in ClinVar:

ClinVar aggregate classification (germline): Uncertain significance (1 of 4 stars; one submission).

Conditions:
Joubert syndrome 23 (JBTS23). Identifiers: Orphanet 475, MedGen C4084822, MONDO:0014664, OMIM 616490.
Short-rib thoracic dysplasia 14 with polydactyly (SRTD14). Identifiers: Orphanet 397715, MedGen C4225286, MONDO:0014688, OMIM 616546.

Allele frequency attached by ClinVar (database versions not stated): ExAC 0.00001.

Submission:

Labcorp Genetics (formerly Invitae), Labcorp
Classification: Uncertain significance for Joubert syndrome 23; Short-rib thoracic dysplasia 14 with polydactyly. Last evaluated: 2024-12-02. Review status: criteria provided, single submitter. Criteria: Invitae Variant Classification Sherloc (09022015). Collection method: clinical testing. Allele origin: germline.
Comment: This sequence change replaces glutamic acid, which is acidic and polar, with glutamine, which is neutral and polar, at codon 262 of the KIAA0586 protein (p.Glu262Gln). This variant is present in population databases (rs752046747, gnomAD 0.003%). This variant has not been reported in the literature in individuals affected with KIAA0586-related conditions. ClinVar contains an entry for this variant (Variation ID: 1903728). Invitae Evidence Modeling of protein sequence and biophysical properties (such as structural, functional, and spatial information, amino acid conservation, physicochemical variation, residue mobility, and thermodynamic stability) indicates that this missense variant is not expected to disrupt KIAA0586 protein function with a negative predictive value of 80%. In summary, the available evidence is currently insufficient to determine the role of this variant in disease. Therefore, it has been classified as a Variant of Uncertain Significance.

NM_001329943.3(KIAA0586):c.625G>C (p.Glu209Gln)

Gene: KIAA0586 (KIAA0586; plus strand). Cytogenetic location: 14q23.1.
Variant type: single nucleotide variant.
Coding change: c.625G>C on transcript NM_001329943.3 (MANE Select); coding-DNA position 625, G replaced by C.
Protein change: p.Glu209Gln; replaces glutamic acid 209 with glutamine.
Molecular consequence: missense variant.
Genome position (GRCh38, 1-based): chr14:58,443,993, G>C. VCF-style: chr14-58443993-G-C. GRCh37 (hg19) VCF-style: chr14-58910711-G-C.
Other names: c.784G>C, p.Glu262Gln (NM_001244189.2); c.580G>C, p.Glu194Gln (NM_001244190.2); c.370G>C, p.Glu124Gln (NM_001244191.2, NM_001329945.2, NM_001364700.1 and 1 more transcripts); c.493G>C, p.Glu165Gln (NM_001244192.2); c.205G>C, p.Glu69Gln (NM_001244193.2); c.625G>C, p.Glu209Gln (NM_001329944.2, NM_001329946.2, NM_001329947.2 and 1 more transcripts); short protein forms E124Q, E262Q, E165Q, E209Q, E69Q, E194Q.
Identifiers: ClinVar variation 1903728 (VCV001903728.5), dbSNP rs752046747, ClinGen allele CA7205441.